The following is an entry in ClinVar:

NM_000388.4(CASR):c.1034A>G (p.Asn345Ser)

Gene: CASR (calcium sensing receptor; plus strand). Cytogenetic location: 3q21.1.
Variant type: single nucleotide variant.
Coding change: c.1034A>G on transcript NM_000388.4 (MANE Select); coding-DNA position 1034, A replaced by G.
Protein change: p.Asn345Ser; replaces asparagine 345 with serine.
Molecular consequence: missense variant.
Genome position (GRCh38, 1-based): chr3:122,262,069, A>G. VCF-style: chr3-122262069-A-G. GRCh37 (hg19) VCF-style: chr3-121980916-A-G.
Other names: c.1034A>G, p.Asn345Ser (NM_001178065.2); short protein forms N345S.
Identifiers: ClinVar variation 2172389 (VCV002172389.5), dbSNP rs1390562571, ClinGen allele CA354152254.
Genomic context (GRCh38, chr3:122,262,069, plus strand): 5'-GGCAGATCCCAGGCTTCCGGGAATTCCTGAAGAAGGTCCATCCCAGGAAGTCTGTCCACA[A>G]TGGTTTTGCCAAGGAGTTTTGGGAAGAAACATTTAACTGCCACCTCCAAGAAGGTGCAAA-3'
Protein context (NP_000379.3, residues 335-355): KKVHPRKSVH[Asn345Ser]GFAKEFWEET

ClinVar aggregate classification (germline): Uncertain significance. Review status: criteria provided, multiple submitters, no conflicts (2 of 4 stars). 2 submissions from 2 submitters: Uncertain significance (2). Last evaluated 2025-07-21.

Conditions:
Familial hypocalciuric hypercalcemia (FHH). Also called: Familial benign hypercalcemia. Identifiers: Orphanet 405, MedGen C1809471, MONDO:0018458.
Autosomal dominant hypocalcemia 1 (HYPOC1). Also called: HYPOCALCEMIA, FAMILIAL. Identifiers: MedGen C3715128, MONDO:0011013, OMIM 601198.

Allele frequency attached by ClinVar (database versions not stated): gnomAD exomes below 0.00001.
gnomAD v4.1: 2 of 1,614,148 alleles (0.00012%); highest among the groups gnomAD compares: Admixed American, 0.0017%; no homozygotes.

Submissions (2):

Labcorp Genetics (formerly Invitae), Labcorp
Classification: Uncertain significance for Familial hypocalciuric hypercalcemia; Autosomal dominant hypocalcemia 1. Last evaluated: 2025-07-21. Review status: criteria provided, single submitter. Criteria: Invitae Variant Classification Sherloc (09022015). Collection method: clinical testing. Allele origin: germline.
Comment: This sequence change replaces asparagine, which is neutral and polar, with serine, which is neutral and polar, at codon 345 of the CASR protein (p.Asn345Ser). This variant is present in population databases (no rsID available, gnomAD 0.01%). This variant has not been reported in the literature in individuals affected with CASR-related conditions. ClinVar contains an entry for this variant (Variation ID: 2172389). An algorithm developed to predict the effect of missense changes on protein structure and function (PolyPhen-2) suggests that this variant is likely to be tolerated. In summary, the available evidence is currently insufficient to determine the role of this variant in disease. Therefore, it has been classified as a Variant of Uncertain Significance.

Blueprint Genetics
Classification: Uncertain significance. Last evaluated: 2020-12-08. Review status: criteria provided, single submitter. Criteria: ACMG Guidelines, 2015. Collection method: clinical testing. Allele origin: germline.